The following is an entry in ClinVar:

ClinVar aggregate classification (germline): Uncertain significance (1 of 4 stars; one submission).

Conditions:
KATNAL2-related disorder. Also called: KATNAL2-related condition.

gnomAD v4.1: 10 of 1,535,900 alleles (0.00065%); highest among the groups gnomAD compares: Admixed American, 0.012%; no homozygotes.

Submission:

PreventionGenetics, part of Exact Sciences
Classification: Uncertain significance for KATNAL2-related condition. Last evaluated: 2026-07-10. Review status: criteria provided, single submitter. Criteria: ACMG Guidelines, 2015. Collection method: clinical testing. Allele origin: germline.
Comment: The KATNAL2 c.147A>T variant is predicted to result in the amino acid substitution p.Glu49Asp. To our knowledge, this variant has not been reported in the literature. This variant has been reported in 1 heterozygous individual within the ‘other’ subpopulation in gnomAD. At this time, the clinical significance of this variant is uncertain due to the absence of conclusive functional and genetic evidence.

NM_001387690.1(KATNAL2):c.69A>T (p.Glu23Asp)

Gene: KATNAL2 (katanin catalytic subunit A1 like 2; plus strand). Cytogenetic location: 18q21.1.
Variant type: single nucleotide variant.
Coding change: c.69A>T on transcript NM_001387690.1 (MANE Select); coding-DNA position 69, A replaced by T.
Protein change: p.Glu23Asp; replaces glutamic acid 23 with aspartic acid.
Molecular consequence: missense variant. On other transcripts: 5 prime UTR variant (1), non-coding transcript variant (1), intron variant (7).
Genome position (GRCh38, 1-based): chr18:47,046,474, A>T. VCF-style: chr18-47046474-A-T. GRCh37 (hg19) VCF-style: chr18-44572845-A-T.
Other names: c.147A>T, p.Glu49Asp (NM_001353899.1, NM_001353900.1, NM_001353902.1); c.69A>T, p.Glu23Asp (NM_001353901.1, NM_001367621.1); c.-277A>T (NM_001353905.1); c.-1-11761A>T (NM_001353904.1, NM_001353903.1, NM_001353907.1 and 3 more transcripts); c.-94-6406A>T (NM_031303.3); short protein forms E49D, E23D.
Identifiers: ClinVar variation 4979116 (VCV004979116.1).